The following is an entry in ClinVar:

NM_000271.5(NPC1):c.1990G>C (p.Val664Leu)

Gene: NPC1 (NPC intracellular cholesterol transporter 1; minus strand). Cytogenetic location: 18q11.2.
Variant type: single nucleotide variant.
Coding change: c.1990G>C on transcript NM_000271.5 (MANE Select); coding-DNA position 1990, G replaced by C.
Protein change: p.Val664Leu; replaces valine 664 with leucine.
Molecular consequence: missense variant.
Genome position (GRCh38, 1-based): chr18:23,544,484, C>G on the plus strand (G>C on the coding strand, the complement: NPC1 is on the minus strand). VCF-style: chr18-23544484-C-G. GRCh37 (hg19) VCF-style: chr18-21124448-C-G.
Other names: short protein forms V664L.
Identifiers: ClinVar variation 1468673 (VCV001468673.8), dbSNP rs376213990, ClinGen allele CA8913241.

ClinVar aggregate classification (germline): Likely pathogenic (1 of 4 stars; one submission).

Conditions:
Niemann-Pick disease, type C1. Also called: NIEMANN-PICK DISEASE, VARIANT TYPE C1; NEUROVISCERAL STORAGE DISEASE WITH VERTICAL SUPRANUCLEAR OPHTHALMOPLEGIA; NIEMANN-PICK DISEASE WITH CHOLESTEROL ESTERIFICATION BLOCK; NIEMANN-PICK DISEASE WITHOUT SPHINGOMYELINASE DEFICIENCY; NIEMANN-PICK DISEASE, CHRONIC NEURONOPATHIC FORM. Identifiers: Orphanet 646, MedGen C3179455, MONDO:0009757, OMIM 257220.

gnomAD v4.1: 1 of 1,614,212 alleles (0.000062%); highest among the groups gnomAD compares: Non-Finnish European, 0.000085%; no homozygotes.

Submission:

Labcorp Genetics (formerly Invitae), Labcorp
Classification: Likely pathogenic for Niemann-Pick disease, type C1. Last evaluated: 2022-09-28. Review status: criteria provided, single submitter. Criteria: Invitae Variant Classification Sherloc (09022015). Collection method: clinical testing. Allele origin: germline.
Comment: ClinVar contains an entry for this variant (Variation ID: 1468673). This variant has not been reported in the literature in individuals affected with NPC1-related conditions. This variant is present in population databases (rs376213990, gnomAD 0.002%). This sequence change replaces valine, which is neutral and non-polar, with leucine, which is neutral and non-polar, at codon 664 of the NPC1 protein (p.Val664Leu). Advanced modeling of protein sequence and biophysical properties (such as structural, functional, and spatial information, amino acid conservation, physicochemical variation, residue mobility, and thermodynamic stability) performed at Invitae indicates that this missense variant is expected to disrupt NPC1 protein function. This variant disrupts the p.Val664 amino acid residue in NPC1. Other variant(s) that disrupt this residue have been determined to be pathogenic (PMID: 20718790, 25236789, 26937389, 28222799). This suggests that this residue is clinically significant, and that variants that disrupt this residue are likely to be disease-causing. In summary, the currently available evidence indicates that the variant is pathogenic, but additional data are needed to prove that conclusively. Therefore, this variant has been classified as Likely Pathogenic.

Literature cited by the submitters: PubMed 20718790; PubMed 25236789; PubMed 26937389; PubMed 28222799.